The following is an entry in ClinVar:

NM_003742.4(ABCB11):c.2704C>T (p.Leu902=)

Genes: ABCB11 (ATP binding cassette subfamily B member 11; minus strand), LOC126806400 (CDK7 strongly-dependent group 2 enhancer GRCh37_chr2:169791870-169793069; plus strand). Cytogenetic location: 2q31.1.
Variant type: single nucleotide variant.
Coding change: c.2704C>T on transcript NM_003742.4 (MANE Select); coding-DNA position 2704, C replaced by T.
Protein change: p.Leu902=; no amino-acid change (leucine 902 retained).
Molecular consequence: synonymous variant.
Genome position (GRCh38, 1-based): chr2:168,936,340, G>A on the plus strand (C>T on the coding strand, the complement: ABCB11 is on the minus strand). VCF-style: chr2-168936340-G-A. GRCh37 (hg19) VCF-style: chr2-169792850-G-A.
Identifiers: ClinVar variation 765018 (VCV000765018.10), dbSNP rs563877465, ClinGen allele CA59876100.

ClinVar aggregate classification (germline): Likely benign. Review status: criteria provided, single submitter (1 of 4 stars). 2 submissions from 2 submitters: Likely benign (1). 1 of the submissions does not count toward it. Last evaluated 2024-02-05.

Conditions:
ABCB11-related disorder. Also called: ABCB11-related condition.

Allele frequency attached by ClinVar (database versions not stated): gnomAD exomes below 0.00001; gnomAD 0.00001 and 0.00002; TOPMed 0.00001; 1000 Genomes Project 30x 0.00016; 1000 Genomes Project 0.00020.
gnomAD v4.1: 6 of 1,613,962 alleles (0.00037%); highest among the groups gnomAD compares: East Asian, 0.013%; no homozygotes.

Submissions (2):

Labcorp Genetics (formerly Invitae), Labcorp
Classification: Likely benign. Last evaluated: 2024-02-05. Review status: criteria provided, single submitter. Criteria: Invitae Variant Classification Sherloc (09022015). Collection method: clinical testing. Allele origin: germline.

PreventionGenetics, part of Exact Sciences
Classification: Benign for ABCB11-related condition. Last evaluated: 2024-05-15. Review status: no assertion criteria provided. Collection method: clinical testing. Allele origin: germline. Not counted in ClinVar's aggregate classification.
Comment: This variant is classified as benign based on ACMG/AMP sequence variant interpretation guidelines (Richards et al. 2015 PMID: 25741868, with internal and published modifications).